The following is an entry in ClinVar:

NM_004336.5(BUB1):c.847G>A (p.Ala283Thr)

Gene: BUB1 (BUB1 mitotic checkpoint serine/threonine kinase; minus strand). Cytogenetic location: 2q13.
Variant type: single nucleotide variant.
Coding change: c.847G>A on transcript NM_004336.5 (MANE Select); coding-DNA position 847, G replaced by A.
Protein change: p.Ala283Thr; replaces alanine 283 with threonine.
Molecular consequence: missense variant.
Genome position (GRCh38, 1-based): chr2:110,666,373, C>T on the plus strand (G>A on the coding strand, the complement: BUB1 is on the minus strand). VCF-style: chr2-110666373-C-T. GRCh37 (hg19) VCF-style: chr2-111423950-C-T.
Other names: c.787G>A, p.Ala263Thr (NM_001278616.2); c.847G>A, p.Ala283Thr (NM_001278617.2); short protein forms A263T, A283T.
Identifiers: ClinVar variation 2464732 (VCV002464732.4), dbSNP rs767776791, ClinGen allele CA1828225.

ClinVar aggregate classification (germline): Uncertain significance. Review status: criteria provided, multiple submitters, no conflicts (2 of 4 stars). 2 submissions from 2 submitters: Uncertain significance (2). Last evaluated 2024-09-16.

Allele frequency attached by ClinVar (database versions not stated): gnomAD exomes below 0.00001; ExAC 0.00001; TOPMed 0.00004; gnomAD 0.00005.
gnomAD v4.1: 10 of 1,525,378 alleles (0.00066%); highest among the groups gnomAD compares: African/African-American, 0.0098%; no homozygotes.

Submissions (2):

Labcorp Genetics (formerly Invitae), Labcorp
Classification: Uncertain significance. Last evaluated: 2024-09-16. Review status: criteria provided, single submitter. Criteria: Invitae Variant Classification Sherloc (09022015). Collection method: clinical testing. Allele origin: germline.
Comment: This sequence change replaces alanine, which is neutral and non-polar, with threonine, which is neutral and polar, at codon 283 of the BUB1 protein (p.Ala283Thr). This variant is present in population databases (rs767776791, gnomAD 0.01%). This variant has not been reported in the literature in individuals affected with BUB1-related conditions. ClinVar contains an entry for this variant (Variation ID: 2464732). Experimental studies and prediction algorithms are not available or were not evaluated, and the functional significance of this variant is currently unknown. In summary, the available evidence is currently insufficient to determine the role of this variant in disease. Therefore, it has been classified as a Variant of Uncertain Significance.

Ambry Genetics
Classification: Uncertain significance. Last evaluated: 2023-02-10. Review status: criteria provided, single submitter. Criteria: Ambry Variant Classification Scheme 2023. Collection method: clinical testing. Allele origin: germline.
Comment: The p.A283T variant (also known as c.847G>A), located in coding exon 9 of the BUB1 gene, results from a G to A substitution at nucleotide position 847. The alanine at codon 283 is replaced by threonine, an amino acid with similar properties. This amino acid position is conserved. In addition, this alteration is predicted to be tolerated by in silico analysis. Since supporting evidence is limited at this time, the clinical significance of this alteration remains unclear.